The following is an entry in ClinVar:

ClinVar aggregate classification (germline): Pathogenic/Likely pathogenic. Review status: criteria provided, multiple submitters, no conflicts (2 of 4 stars). 2 submissions from 2 submitters: Pathogenic (1); Likely pathogenic (1). Last evaluated 2025-01-27.

Conditions:
Congenital hyperammonemia, type I. Also called: Carbamoyl phosphate synthetase 1 deficiency; Hyperammonemia due to carbamoyl phosphate synthetase 1 deficiency; CPS 1 deficiency; Carbamyl phosphate synthetase (CPS) deficiency; Carbamoyl-phosphate synthase I deficiency; Carbamoyl phosphate synthetase I deficiency disease. Identifiers: Orphanet 147, MedGen C4082171, MONDO:0009376, OMIM 237300.
Pulmonary hypertension, neonatal, susceptibility to (PHN). Identifiers: MedGen C3714958, MONDO:0014151, OMIM 615371.

Submissions (2):

Labcorp Genetics (formerly Invitae), Labcorp
Classification: Pathogenic for Congenital hyperammonemia, type I. Last evaluated: 2025-01-27. Review status: criteria provided, single submitter. Criteria: Invitae Variant Classification Sherloc (09022015). Collection method: clinical testing. Allele origin: germline.
Comment: This sequence change affects a donor splice site in intron 26 of the CPS1 gene. It is expected to disrupt RNA splicing. Variants that disrupt the donor or acceptor splice site typically lead to a loss of protein function (PMID: 16199547), and loss-of-function variants in CPS1 are known to be pathogenic (PMID: 21120950). This variant is not present in population databases (gnomAD no frequency). Disruption of this splice site has been observed in individual(s) with carbamoyl phosphate synthetase I deficiency (internal data). In at least one individual the data is consistent with being in trans (on the opposite chromosome) from a pathogenic variant. ClinVar contains an entry for this variant (Variation ID: 936338). Algorithms developed to predict the effect of sequence changes on RNA splicing suggest that this variant may disrupt the consensus splice site. For these reasons, this variant has been classified as Pathogenic.

Fulgent Genetics
Classification: Likely pathogenic for Congenital hyperammonemia, type I; Pulmonary hypertension, neonatal, susceptibility to. Last evaluated: 2022-05-17. Review status: criteria provided, single submitter. Criteria: ACMG Guidelines, 2015. Collection method: clinical testing. Allele origin: unknown.

Literature cited by the submitters: PubMed 16199547 (cited by Labcorp Genetics (formerly Invitae), Labcorp); PubMed 21120950 (cited by Labcorp Genetics (formerly Invitae), Labcorp).

NM_001875.5(CPS1):c.3336+1G>A

Gene: CPS1 (carbamoyl-phosphate synthase 1; plus strand). Cytogenetic location: 2q34.
Variant type: single nucleotide variant.
Coding change: c.3336+1G>A on transcript NM_001875.5 (MANE Select); the canonical splice donor site of the intron after coding-DNA position 3336, G replaced by A.
Molecular consequence: splice donor variant.
Genome position (GRCh38, 1-based): chr2:210,648,058, G>A. VCF-style: chr2-210648058-G-A. GRCh37 (hg19) VCF-style: chr2-211512782-G-A.
Other names: c.3336+1G>A (NM_001369257.1, NM_001122633.3); c.3369+1G>A (NM_001369256.1).
Identifiers: ClinVar variation 936338 (VCV000936338.11), dbSNP rs1700437565, ClinGen allele CA350436431.